The following is an entry in ClinVar:

ClinVar aggregate classification (germline): Uncertain significance. Review status: criteria provided, multiple submitters, no conflicts (2 of 4 stars). 4 submissions from 4 submitters: Uncertain significance (4). Last evaluated 2024-09-06.

Conditions:
Supravalvar aortic stenosis (SVAS). Also called: Supravalvar aortic stenosis, Eisenberg type. Identifiers: Orphanet 3193, MedGen C0003499, MONDO:0008504, OMIM 185500, HP:0004381.
ELN-related disorder.
Familial thoracic aortic aneurysm and aortic dissection (TAAD). Also called: Thoracic aortic aneurysms and dissections. Identifiers: Orphanet 91387, MedGen C4707243, MONDO:0019625.

Allele frequency attached by ClinVar (database versions not stated): gnomAD 0.00002 and 0.00003; gnomAD exomes 0.00001 and below 0.00001; 1000 Genomes Project 30x 0.00031; ExAC 0.00001; TOPMed 0.00002; 1000 Genomes Project 0.00020.
gnomAD v4.1: 15 of 1,613,658 alleles (0.00093%); highest among the groups gnomAD compares: South Asian, 0.0033%; no homozygotes.

Submissions (4):

Centre of Medical Genetics, University of Antwerp
Classification: Uncertain significance for Familial thoracic aortic aneurysm and aortic dissection. Last evaluated: 2024-09-06. Review status: criteria provided, single submitter. Criteria: ACMG Guidelines, 2015. Collection method: clinical testing. Allele origin: germline. Affected: yes.

Labcorp Genetics (formerly Invitae), Labcorp
Classification: Uncertain significance for Supravalvar aortic stenosis. Last evaluated: 2024-03-25. Review status: criteria provided, single submitter. Criteria: Invitae Variant Classification Sherloc (09022015). Collection method: clinical testing. Allele origin: germline.
Comment: This sequence change replaces glycine, which is neutral and non-polar, with arginine, which is basic and polar, at codon 428 of the ELN protein (p.Gly428Arg). This variant is present in population databases (rs200862792, gnomAD 0.004%). This variant has not been reported in the literature in individuals affected with ELN-related conditions. ClinVar contains an entry for this variant (Variation ID: 1190736). Advanced modeling of protein sequence and biophysical properties (such as structural, functional, and spatial information, amino acid conservation, physicochemical variation, residue mobility, and thermodynamic stability) performed at Invitae indicates that this missense variant is not expected to disrupt ELN protein function with a negative predictive value of 80%. In summary, the available evidence is currently insufficient to determine the role of this variant in disease. Therefore, it has been classified as a Variant of Uncertain Significance.

GeneDx
Classification: Uncertain significance. Last evaluated: 2023-11-13. Review status: criteria provided, single submitter. Criteria: GeneDx Variant Classification Process June 2021. Collection method: clinical testing. Allele origin: germline. Affected: yes.
Comment: Has not been previously published as pathogenic or benign to our knowledge; Not observed at significant frequency in large population cohorts (gnomAD); In silico analysis supports that this missense variant has a deleterious effect on protein structure/function

PreventionGenetics, part of Exact Sciences
Classification: Uncertain significance for ELN-related condition. Last evaluated: 2023-06-07. Review status: criteria provided, single submitter. Criteria: ACMG Guidelines, 2015. Collection method: clinical testing. Allele origin: germline.
Comment: The ELN c.1282G>A variant is predicted to result in the amino acid substitution p.Gly428Arg. To our knowledge, this variant has not been reported in the literature. This variant is reported in 0.0040% of alleles in individuals of African descent in gnomAD. At this time, the clinical significance of this variant is uncertain due to the absence of conclusive functional and genetic evidence.

NM_000501.4(ELN):c.1282G>A (p.Gly428Arg)

Gene: ELN (elastin; plus strand). Cytogenetic location: 7q11.23.
Variant type: single nucleotide variant.
Coding change: c.1282G>A on transcript NM_000501.4 (MANE Select); coding-DNA position 1282, G replaced by A.
Protein change: p.Gly428Arg; replaces glycine 428 with arginine.
Molecular consequence: missense variant. On other transcripts: intron variant (2).
Genome position (GRCh38, 1-based): chr7:74,056,402, G>A. VCF-style: chr7-74056402-G-A. GRCh37 (hg19) VCF-style: chr7-73470732-G-A.
Other names: c.1252G>A, p.Gly418Arg (NM_001081752.3, NM_001278917.2); c.1297G>A, p.Gly433Arg (NM_001081753.3, NM_001081754.3); c.1282G>A, p.Gly428Arg (NM_001081755.3, NM_001278912.2, NM_001278915.2 and 1 more transcripts); c.1267G>A, p.Gly423Arg (NM_001278914.2); c.1240G>A, p.Gly414Arg (NM_001278916.2); c.1129+45G>A (NM_001278913.2); c.1105+45G>A (NM_001278918.2); c.1282G>A (NM_000501.3); short protein forms G414R, G418R, G423R, G428R, G433R.
Identifiers: ClinVar variation 1190736 (VCV001190736.10), dbSNP rs200862792, ClinGen allele CA4292916.